The following is an entry in ClinVar:

NM_021930.6(RINT1):c.613T>C (p.Ser205Pro)

Gene: RINT1 (RAD50 interactor 1; plus strand). Cytogenetic location: 7q22.3.
Variant type: single nucleotide variant.
Coding change: c.613T>C on transcript NM_021930.6 (MANE Select); coding-DNA position 613, T replaced by C.
Protein change: p.Ser205Pro; replaces serine 205 with proline.
Molecular consequence: missense variant. On other transcripts: 5 prime UTR variant (2), non-coding transcript variant (1), intron variant (1).
Genome position (GRCh38, 1-based): chr7:105,547,007, T>C. VCF-style: chr7-105547007-T-C. GRCh37 (hg19) VCF-style: chr7-105187454-T-C.
Other names: c.379T>C, p.Ser127Pro (NM_001346599.2); c.-407T>C (NM_001346600.2); c.-310T>C (NM_001346601.2); c.-27-3048T>C (NM_001346603.2); short protein forms S127P, S205P.
Identifiers: ClinVar variation 652301 (VCV000652301.9), dbSNP rs1586234559, ClinGen allele CA368805554.

ClinVar aggregate classification (germline): Uncertain significance. Review status: criteria provided, multiple submitters, no conflicts (2 of 4 stars). 2 submissions from 2 submitters: Uncertain significance (2). Last evaluated 2023-11-04.

Submissions (2):

Ambry Genetics
Classification: Uncertain significance. Last evaluated: 2023-11-04. Review status: criteria provided, single submitter. Criteria: Ambry Variant Classification Scheme 2023. Collection method: clinical testing. Allele origin: germline.
Comment: The p.S205P variant (also known as c.613T>C), located in coding exon 5 of the RINT1 gene, results from a T to C substitution at nucleotide position 613. The serine at codon 205 is replaced by proline, an amino acid with similar properties. This amino acid position is conserved. In addition, this alteration is predicted to be tolerated by in silico analysis. Since supporting evidence is limited at this time, the clinical significance of this alteration remains unclear.

Labcorp Genetics (formerly Invitae), Labcorp
Classification: Uncertain significance. Last evaluated: 2020-11-11. Review status: criteria provided, single submitter. Criteria: Invitae Variant Classification Sherloc (09022015). Collection method: clinical testing. Allele origin: germline.
Comment: In summary, the available evidence is currently insufficient to determine the role of this variant in disease. Therefore, it has been classified as a Variant of Uncertain Significance. Algorithms developed to predict the effect of missense changes on protein structure and function are either unavailable or do not agree on the potential impact of this missense change (SIFT: "Tolerated"; PolyPhen-2: "Possibly Damaging"; Align-GVGD: "Class C0"). This variant has not been reported in the literature in individuals with RINT1-related conditions. This variant is not present in population databases (ExAC no frequency). This sequence change replaces serine with proline at codon 205 of the RINT1 protein (p.Ser205Pro). The serine residue is moderately conserved and there is a moderate physicochemical difference between serine and proline.